The following is an entry in ClinVar:

ClinVar aggregate classification (germline): Uncertain significance (1 of 4 stars; one submission).

Conditions:
Charcot-Marie-Tooth disease axonal type 2S. Also called: CHARCOT-MARIE-TOOTH NEUROPATHY, TYPE 2S; CHARCOT-MARIE-TOOTH DISEASE, AXONAL, AUTOSOMAL RECESSIVE, TYPE 2S. Identifiers: Orphanet 443073, MedGen C4015349, MONDO:0014511, OMIM 616155.
Autosomal recessive distal spinal muscular atrophy 1. Also called: HMN VI; NEURONOPATHY, SEVERE INFANTILE AXONAL, WITH RESPIRATORY FAILURE; SEVERE INFANTILE AXONAL NEUROPATHY WITH RESPIRATORY FAILURE; SPINAL MUSCULAR ATROPHY, DIAPHRAGMATIC; Spinal muscular atrophy with respiratory distress 1; NEURONOPATHY, DISTAL HEREDITARY MOTOR, HARDING TYPE VI. Identifiers: Orphanet 98920, MedGen C1858517, MONDO:0011436, OMIM 604320.

Submission:

Labcorp Genetics (formerly Invitae), Labcorp
Classification: Uncertain significance for Autosomal recessive distal spinal muscular atrophy 1; Charcot-Marie-Tooth disease axonal type 2S. Last evaluated: 2021-10-14. Review status: criteria provided, single submitter. Criteria: Invitae Variant Classification Sherloc (09022015). Collection method: clinical testing. Allele origin: germline.
Comment: This sequence change replaces glutamic acid with lysine at codon 20 of the IGHMBP2 protein (p.Glu20Lys). The glutamic acid residue is highly conserved and there is a small physicochemical difference between glutamic acid and lysine. The frequency data for this variant in the population databases is not available, as this variant may be reported as separate entries in the ExAC database. This variant has not been reported in the literature in individuals affected with IGHMBP2-related conditions. ClinVar contains an entry for this variant (Variation ID: 534930). Experimental studies and prediction algorithms are not available or were not evaluated, and the functional significance of this variant is currently unknown. In summary, the available evidence is currently insufficient to determine the role of this variant in disease. Therefore, it has been classified as a Variant of Uncertain Significance.

NC_000011.10:g.68904009_68904010inv

Gene: IGHMBP2 (immunoglobulin mu DNA binding protein 2; plus strand). Cytogenetic location: 11q13.3.
Variant type: Inversion.
Genome position: GRCh38 VCF-style: chr11-68904009-TG-CA. GRCh37 (hg19) VCF-style: chr11-68671477-TG-CA.
Other names: c.57_58inv, p.Glu20Lys (LRG_250t1).
Identifiers: ClinVar variation 534930 (VCV000534930.4), ClinGen allele CA658797695.
Genomic context (GRCh38, chr11:68,904,009, plus strand): 5'-GGCGATGGCCTCGGCAGCTGTGGAGAGCTTCGTGACCAAGCAACTGGACCTGCTGGAGCT[TG>CA]AGAGAGACGCGGAGGTGGAGGAGCGCAGGTACGGGAGGCCGCCGGCGCCGCTCCCTCGCG-3'